The following is an entry in ClinVar:

NM_000088.4(COL1A1):c.2284G>C (p.Val762Leu)

Gene: COL1A1 (collagen type I alpha 1 chain; minus strand). Cytogenetic location: 17q21.33.
Variant type: single nucleotide variant.
Coding change: c.2284G>C on transcript NM_000088.4 (MANE Select); coding-DNA position 2284, G replaced by C.
Protein change: p.Val762Leu; replaces valine 762 with leucine.
Molecular consequence: missense variant.
Genome position (GRCh38, 1-based): chr17:50,190,876, C>G on the plus strand (G>C on the coding strand, the complement: COL1A1 is on the minus strand). VCF-style: chr17-50190876-C-G. GRCh37 (hg19) VCF-style: chr17-48268237-C-G.
Other names: short protein forms V762L.
Identifiers: ClinVar variation 1702171 (VCV001702171.28), dbSNP rs138749826, ClinGen allele CA8644878.

ClinVar aggregate classification (germline): Conflicting classifications of pathogenicity. Review status: criteria provided, conflicting classifications (1 of 4 stars). 5 submissions from 5 submitters: Uncertain significance (2); Benign (1); Likely benign (2). Last evaluated 2026-07-28.

Conditions:
Osteogenesis imperfecta type I (OI1). Also called: OI, TYPE I; OSTEOGENESIS IMPERFECTA TARDA; OSTEOGENESIS IMPERFECTA WITH BLUE SCLERAE; Osteogenesis imperfecta type 1; Classic Non-deforming Osteogenesis Imperfecta with Blue Sclerae; Lobstein disease. Identifiers: Orphanet 216796, Orphanet 666, MedGen C0023931, MONDO:0008146, OMIM 166200. Disease mechanism: loss of function.
Ehlers-Danlos syndrome (EDS). Identifiers: Orphanet 98249, MedGen C0013720, MONDO:0020066.
Cardiovascular phenotype. Identifiers: MedGen CN230736.

Allele frequency attached by ClinVar (database versions not stated): ExAC 0.00002.
gnomAD v4.1: 13 of 1,613,774 alleles (0.00081%); highest among the groups gnomAD compares: African/African-American, 0.012%; no homozygotes.

Submissions (5):

Ambry Genetics
Classification: Likely benign for Cardiovascular phenotype. Last evaluated: 2026-07-28. Review status: criteria provided, single submitter. Criteria: Ambry Variant Classification Scheme 2023. Collection method: clinical testing. Allele origin: germline.

GeneDx
Classification: Uncertain significance. Last evaluated: 2025-07-28. Review status: criteria provided, single submitter. Criteria: GeneDx Variant Classification Process June 2021. Collection method: clinical testing. Allele origin: germline. Affected: yes.
Comment: Not observed at significant frequency in large population cohorts (gnomAD); In silico analysis suggests that this missense variant does not alter protein structure/function; Has not been previously published as pathogenic or benign to our knowledge; Occurs in the triple helical domain at the X position in the canonical Gly-X-Y repeat; although this variant may have an effect on normal protein folding and function, missense substitution at the X position is not a common mechanism of disease (HGMD)

CeGaT Center for Human Genetics Tuebingen
Classification: Likely benign. Last evaluated: 2024-04-01. Review status: criteria provided, single submitter. Criteria: CeGaT Center For Human Genetics Tuebingen Variant Classification Criteria Version 2. Collection method: clinical testing. Allele origin: germline. Affected: yes. Observed: 1 variant allele.
Comment: COL1A1: BS2

Labcorp Genetics (formerly Invitae), Labcorp
Classification: Benign for Osteogenesis imperfecta type I. Last evaluated: 2023-08-23. Review status: criteria provided, single submitter. Criteria: Invitae Variant Classification Sherloc (09022015). Collection method: clinical testing. Allele origin: germline.

Genome Diagnostics Laboratory, The Hospital for Sick Children
Classification: Uncertain significance for Ehlers-Danlos syndrome. Last evaluated: 2020-06-01. Review status: criteria provided, single submitter. Criteria: ACMG Guidelines, 2015. Collection method: clinical testing. Allele origin: germline.